The following is an entry in ClinVar:

ClinVar aggregate classification (germline): Conflicting classifications of pathogenicity. Review status: criteria provided, conflicting classifications (1 of 4 stars). 2 submissions from 2 submitters: Uncertain significance (1); Likely benign (1). Last evaluated 2024-02-01.

Conditions:
Neurodevelopmental disorder with structural brain anomalies and dysmorphic facies (NEDBAF). Identifiers: Orphanet 659609, MedGen C5231416, MONDO:0032820, OMIM 618577.

Allele frequency attached by ClinVar (database versions not stated): gnomAD exomes 0.00004; ESP Exome Variant Server 0.00008; TOPMed 0.00002; gnomAD 0.00003; ExAC 0.00002.

Submissions (2):

CeGaT Center for Human Genetics Tuebingen
Classification: Likely benign. Last evaluated: 2024-02-01. Review status: criteria provided, single submitter. Criteria: CeGaT Center For Human Genetics Tuebingen Variant Classification Criteria Version 2. Collection method: clinical testing. Allele origin: germline. Affected: yes. Observed: 1 variant allele.
Comment: RAC3: BS2

Human Genetics Bochum, Ruhr University Bochum
Classification: Uncertain significance for Neurodevelopmental disorder with structural brain anomalies and dysmorphic facies. Last evaluated: 2024-01-18. Review status: criteria provided, single submitter. Criteria: ACMG Guidelines, 2015. Collection method: clinical testing. Allele origin: germline. Affected: yes.
Comment: ACMG criteria used to clasify this variant: PP2, BP4

NM_005052.3(RAC3):c.277G>A (p.Val93Ile)

Gene: RAC3 (Rac family small GTPase 3; plus strand). Cytogenetic location: 17q25.3.
Variant type: single nucleotide variant.
Coding change: c.277G>A on transcript NM_005052.3 (MANE Select); coding-DNA position 277, G replaced by A.
Protein change: p.Val93Ile; replaces valine 93 with isoleucine.
Molecular consequence: missense variant.
Genome position (GRCh38, 1-based): chr17:82,032,998, G>A. VCF-style: chr17-82032998-G-A. GRCh37 (hg19) VCF-style: chr17-79990874-G-A.
Other names: c.277G>A, p.Val93Ile (NM_001316307.2); short protein forms V93I.
Identifiers: ClinVar variation 3025234 (VCV003025234.22), dbSNP rs143136523, ClinGen allele CA8848362.